The following is an entry in ClinVar:

ClinVar aggregate classification (germline): Uncertain significance (1 of 4 stars; one submission).

Allele frequency attached by ClinVar (database versions not stated): gnomAD exomes below 0.00001; TOPMed below 0.00001; gnomAD 0.00003.
gnomAD v4.1: 8 of 1,614,006 alleles (0.0005%); highest among the groups gnomAD compares: African/African-American, 0.0027%; no homozygotes.

Submission:

Labcorp Genetics (formerly Invitae), Labcorp
Classification: Uncertain significance. Last evaluated: 2023-11-24. Review status: criteria provided, single submitter. Criteria: Invitae Variant Classification Sherloc (09022015). Collection method: clinical testing. Allele origin: germline.
Comment: This sequence change replaces isoleucine, which is neutral and non-polar, with valine, which is neutral and non-polar, at codon 185 of the NR3C2 protein (p.Ile185Val). This variant is present in population databases (no rsID available, gnomAD 0.01%). This variant has not been reported in the literature in individuals affected with NR3C2-related conditions. Advanced modeling of protein sequence and biophysical properties (such as structural, functional, and spatial information, amino acid conservation, physicochemical variation, residue mobility, and thermodynamic stability) performed at Invitae indicates that this missense variant is not expected to disrupt NR3C2 protein function with a negative predictive value of 80%. In summary, the available evidence is currently insufficient to determine the role of this variant in disease. Therefore, it has been classified as a Variant of Uncertain Significance.

NM_000901.5(NR3C2):c.553A>G (p.Ile185Val)

Gene: NR3C2 (nuclear receptor subfamily 3 group C member 2; minus strand). Cytogenetic location: 4q31.23.
Variant type: single nucleotide variant.
Coding change: c.553A>G on transcript NM_000901.5 (MANE Select); coding-DNA position 553, A replaced by G.
Protein change: p.Ile185Val; replaces isoleucine 185 with valine.
Molecular consequence: missense variant. On other transcripts: non-coding transcript variant (1).
Genome position (GRCh38, 1-based): chr4:148,436,308, T>C on the plus strand (A>G on the coding strand, the complement: NR3C2 is on the minus strand). VCF-style: chr4-148436308-T-C. GRCh37 (hg19) VCF-style: chr4-149357460-T-C.
Other names: c.553A>G, p.Ile185Val (NM_001166104.2, NM_001354819.1); short protein forms I185V.
Identifiers: ClinVar variation 2879338 (VCV002879338.3), dbSNP rs1305781240, ClinGen allele CA358249098.
Genomic context (GRCh38, chr4:148,436,308, plus strand): 5'-AAACCGAAGATGTCATGTTCAGAGGGCTGCAAACAGACGGGCTTTTCTCATGACACATGA[T>C]AGGGCTTTTAACAACGGCGCGCATGACGCCACCATTCACGGAGCTCCCAGAGTCAGACAT-3'
Protein context (NP_000892.2, residues 175-195): GVMRAVVKSP[Ile185Val]MCHEKSPSVC